The following is an entry in ClinVar:

NM_006899.5(IDH3B):c.937C>T (p.Gln313Ter)

Gene: IDH3B (isocitrate dehydrogenase (NAD(+)) 3 non-catalytic subunit beta; minus strand). Cytogenetic location: 20p13.
Variant type: single nucleotide variant.
Coding change: c.937C>T on transcript NM_006899.5 (MANE Select); coding-DNA position 937, C replaced by T.
Protein change: p.Gln313Ter; replaces glutamine 313 with a stop codon.
Molecular consequence: nonsense. On other transcripts: non-coding transcript variant (1).
Genome position (GRCh38, 1-based): chr20:2,659,772, G>A on the plus strand (C>T on the coding strand, the complement: IDH3B is on the minus strand). VCF-style: chr20-2659772-G-A. GRCh37 (hg19) VCF-style: chr20-2640418-G-A.
Other names: c.937C>T, p.Gln313Ter (NM_001258384.3, NM_001330763.2, NM_174855.4); short protein forms Q313*.
Identifiers: ClinVar variation 4702478 (VCV004702478.1).

ClinVar aggregate classification (germline): Pathogenic (1 of 4 stars; one submission).

gnomAD v4.1: 2 of 1,614,022 alleles (0.00012%); highest among the groups gnomAD compares: Admixed American, 0.0017%; no homozygotes.

Submission:

Labcorp Genetics (formerly Invitae), Labcorp
Classification: Pathogenic. Last evaluated: 2025-12-02. Review status: criteria provided, single submitter. Criteria: Invitae Variant Classification Sherloc (09022015). Collection method: clinical testing. Allele origin: germline.
Comment: This sequence change creates a premature translational stop signal (p.Gln313*) in the IDH3B gene. It is expected to result in an absent or disrupted protein product. Loss-of-function variants in IDH3B are known to be pathogenic (PMID: 18806796). This variant is present in population databases (no rsID available, gnomAD no frequency). This variant has not been reported in the literature in individuals affected with IDH3B-related conditions. Algorithms developed to predict the effect of sequence changes on RNA splicing suggest that this variant may disrupt the consensus splice site. For these reasons, this variant has been classified as Pathogenic.

Literature cited by the submitters: PubMed 18806796.